The following is an entry in ClinVar:

NM_001048174.2(MUTYH):c.1315A>C (p.Thr439Pro)

Gene: MUTYH (mutY DNA glycosylase; minus strand). Cytogenetic location: 1p34.1.
Variant type: single nucleotide variant.
Coding change: c.1315A>C on transcript NM_001048174.2 (MANE Select); coding-DNA position 1315, A replaced by C.
Protein change: p.Thr439Pro; replaces threonine 439 with proline.
Molecular consequence: missense variant. On other transcripts: non-coding transcript variant (7).
Genome position (GRCh38, 1-based): chr1:45,331,259, T>G on the plus strand (A>C on the coding strand, the complement: MUTYH is on the minus strand). VCF-style: chr1-45331259-T-G. GRCh37 (hg19) VCF-style: chr1-45796931-T-G.
Other names: c.1315A>C, p.Thr439Pro (NM_001048171.2, NM_001048173.2, NM_001293195.2 and 6 more transcripts); c.1318A>C, p.Thr440Pro (NM_001048172.2, NM_001407071.1, NM_001407078.1 and 1 more transcripts); c.1399A>C, p.Thr467Pro (NM_001128425.2); c.1360A>C, p.Thr454Pro (NM_001293190.2); c.1348A>C, p.Thr450Pro (NM_001293191.2, NM_001407069.1, NM_001407077.1); c.1039A>C, p.Thr347Pro (NM_001293192.2, NM_001293196.2, NM_001407091.1); c.970A>C, p.Thr324Pro (NM_001350650.2, NM_001350651.2, NM_001407082.1); c.1231A>C, p.Thr411Pro (NM_001407075.1); and 5 more; short protein forms T324P, T426P, T446P, T464P, T467P, T425P, T439P, T453P.
Identifiers: ClinVar variation 4112787 (VCV004112787.1).
Genomic context (GRCh38, chr1:45,331,259, plus strand): 5'-AAACAGCTGCGGTGTGAAATTCCTCCTGCGTCAGCCAGCGAGCACCTGGTGGTACGGTGG[T>G]CACTGGGGTCTGCCCTTCCAAGGCCAGCCCATATACTTGATATGTCAGCTTGATGTGAGA-3'
Protein context (NP_001041639.1, residues 429-449): GLALEGQTPV[Thr439Pro]TVPPGARWLT

ClinVar aggregate classification (germline): Uncertain significance (1 of 4 stars; one submission).

Conditions:
Hereditary cancer-predisposing syndrome. Also called: Tumor predisposition; Neoplastic Syndromes, Hereditary; Hereditary neoplastic syndrome; Hereditary Cancer Syndrome. Identifiers: Orphanet 140162, MedGen C0027672, MeSH D009386, MONDO:0015356.

Submission:

Ambry Genetics
Classification: Uncertain significance for Hereditary cancer-predisposing syndrome. Last evaluated: 2025-08-27. Review status: criteria provided, single submitter. Criteria: Ambry Variant Classification Scheme 2023. Collection method: clinical testing. Allele origin: germline.
Comment: The p.T467P variant (also known as c.1399A>C), located in coding exon 14 of the MUTYH gene, results from an A to C substitution at nucleotide position 1399. The threonine at codon 467 is replaced by proline, an amino acid with highly similar properties. This amino acid position is conserved. In addition, this alteration is predicted to be tolerated by in silico analysis. Based on the available evidence, the clinical significance of this variant remains unclear.